The following is an entry in ClinVar:

NM_199420.4(POLQ):c.571A>G (p.Ile191Val)

Gene: POLQ (DNA polymerase theta; minus strand). Cytogenetic location: 3q13.33.
Variant type: single nucleotide variant.
Coding change: c.571A>G on transcript NM_199420.4 (MANE Select); coding-DNA position 571, A replaced by G.
Protein change: p.Ile191Val; replaces isoleucine 191 with valine.
Molecular consequence: missense variant.
Genome position (GRCh38, 1-based): chr3:121,539,493, T>C on the plus strand (A>G on the coding strand, the complement: POLQ is on the minus strand). VCF-style: chr3-121539493-T-C. GRCh37 (hg19) VCF-style: chr3-121258340-T-C.
Other names: short protein forms I191V.
Identifiers: ClinVar variation 1749270 (VCV001749270.2), dbSNP rs2546824523, ClinGen allele CA354091105.
Genomic context (GRCh38, chr3:121,539,493, plus strand): 5'-CTAACAGATCCATCTTATTTTCCTCTATGAGGCGATTGATCAGACCATTGGCTCTCTCAA[T>C]TGTGCAGACTGCAATATCCAATGAAGAGAAATGCCTTGATGGAGAGGTGCTGCCCATATA-3'
Protein context (NP_955452.3, residues 181-201): FSSLDIAVCT[Ile191Val]ERANGLINRL

ClinVar aggregate classification (germline): Uncertain significance (1 of 4 stars; one submission).

Submission:

Ambry Genetics
Classification: Uncertain significance. Last evaluated: 2022-05-21. Review status: criteria provided, single submitter. Criteria: Ambry Variant Classification Scheme 2023. Collection method: clinical testing. Allele origin: germline.
Comment: The p.I191V variant (also known as c.571A>G), located in coding exon 4 of the POLQ gene, results from an A to G substitution at nucleotide position 571. The isoleucine at codon 191 is replaced by valine, an amino acid with highly similar properties. This amino acid position is conserved. In addition, this alteration is predicted to be tolerated by in silico analysis. Since supporting evidence is limited at this time, the clinical significance of this alteration remains unclear.